The following is an entry in ClinVar:

NM_001904.4(CTNNB1):c.519_524dup (p.Val175_His176insMetVal)

Genes: CTNNB1 (catenin beta 1; plus strand), LOC126806658 (BRD4-independent group 4 enhancer GRCh37_chr3:41265899-41267098; plus strand). Cytogenetic location: 3p22.1.
Variant type: Duplication.
Coding change: c.519_524dup on transcript NM_001904.4 (MANE Select); coding-DNA positions 519 to 524, 6 bases duplicated (TATGGT; older notation c.519_524dupTATGGT).
Protein change: p.Val175_His176insMetVal.
Molecular consequence: inframe insertion.
Genome position (GRCh38, 1-based): chr3:41,225,357-41,225,362, TATGGT duplicated; duplicating any 6 consecutive bases within chr3:41,225,355-41,225,362 gives the same sequence; the c. name uses the placement nearest the transcript's 3' end. VCF-style (leftmost placement, unchanged base first): chr3-41225354-A-AGTTATG. GRCh37 (hg19) VCF-style: chr3-41266845-A-AGTTATG.
Other names: c.519_524dup, p.Val175_His176insMetVal (NM_001098209.2, NM_001098210.2); c.498_503dup, p.Val168_His169insMetVal (NM_001330729.2).
Identifiers: ClinVar variation 2706622 (VCV002706622.3), dbSNP rs2470784883, ClinGen allele CA2697550819.

ClinVar aggregate classification (germline): Uncertain significance (1 of 4 stars; one submission).

Submission:

Labcorp Genetics (formerly Invitae), Labcorp
Classification: Uncertain significance. Last evaluated: 2023-12-30. Review status: criteria provided, single submitter. Criteria: Invitae Variant Classification Sherloc (09022015). Collection method: clinical testing. Allele origin: germline.
Comment: This variant, c.519_524dup, results in the insertion of 2 amino acid(s) of the CTNNB1 protein (p.Met174_Val175dup), but otherwise preserves the integrity of the reading frame. This variant is not present in population databases (gnomAD no frequency). This variant has not been reported in the literature in individuals affected with CTNNB1-related conditions. In summary, the available evidence is currently insufficient to determine the role of this variant in disease. Therefore, it has been classified as a Variant of Uncertain Significance.